The following is an entry in ClinVar:

NM_001733.7(C1R):c.299C>T (p.Pro100Leu)

Gene: C1R (complement C1r; minus strand). Cytogenetic location: 12p13.31.
Variant type: single nucleotide variant.
Coding change: c.299C>T on transcript NM_001733.7 (MANE Select); coding-DNA position 299, C replaced by T.
Protein change: p.Pro100Leu; replaces proline 100 with leucine.
Molecular consequence: missense variant.
Genome position (GRCh38, 1-based): chr12:7,090,181, G>A on the plus strand (C>T on the coding strand, the complement: C1R is on the minus strand). VCF-style: chr12-7090181-G-A. GRCh37 (hg19) VCF-style: chr12-7242777-G-A.
Other names: c.341C>T, p.Pro114Leu (NM_001354346.2); short protein forms P100L, P114L.
Identifiers: ClinVar variation 3895995 (VCV003895995.1).

ClinVar aggregate classification (germline): Uncertain significance (1 of 4 stars; one submission).

Submission:

Women's Health and Genetics/Laboratory Corporation of America, LabCorp
Classification: Uncertain significance. Last evaluated: 2025-03-24. Review status: criteria provided, single submitter. Criteria: LabCorp Variant Classification Summary - May 2015. Collection method: clinical testing. Allele origin: germline.
Comment: Variant summary: C1R c.299C>T (p.Pro100Leu) results in a non-conservative amino acid change in the encoded protein sequence. Four of five in-silico tools predict a damaging effect of the variant on protein function. The variant allele was found at a frequency of 3.3e-05 in 209270 control chromosomes. The available data on variant occurrences in the general population are insufficient to allow any conclusion about variant significance. To our knowledge, no occurrence of c.299C>T in individuals affected with Ehlers-Danlos syndrome, periodontal type 1 and no experimental evidence demonstrating its impact on protein function have been reported. No submitters have cited clinical-significance assessments for this variant to ClinVar. Based on the evidence outlined above, the variant was classified as uncertain significance.